The following is an entry in ClinVar:

NM_198578.4(LRRK2):c.646A>G (p.Lys216Glu)

Gene: LRRK2 (leucine rich repeat kinase 2; plus strand). Cytogenetic location: 12q12.
Variant type: single nucleotide variant.
Coding change: c.646A>G on transcript NM_198578.4 (MANE Select); coding-DNA position 646, A replaced by G.
Protein change: p.Lys216Glu; replaces lysine 216 with glutamic acid.
Molecular consequence: missense variant.
Genome position (GRCh38, 1-based): chr12:40,240,557, A>G. VCF-style: chr12-40240557-A-G. GRCh37 (hg19) VCF-style: chr12-40634359-A-G.
Other names: short protein forms K216E.
Identifiers: ClinVar variation 1753695 (VCV001753695.2), dbSNP rs2499436441, ClinGen allele CA384404785.

ClinVar aggregate classification (germline): Uncertain significance (1 of 4 stars; one submission).

Conditions:
Inborn genetic diseases. Identifiers: MedGen C0950123, MeSH D030342.

Submission:

Ambry Genetics
Classification: Uncertain significance for Inborn genetic diseases. Last evaluated: 2022-10-22. Review status: criteria provided, single submitter. Criteria: Ambry Variant Classification Scheme 2023. Collection method: clinical testing. Allele origin: germline.
Comment: The p.K216E variant (also known as c.646A>G), located in coding exon 6 of the LRRK2 gene, results from an A to G substitution at nucleotide position 646. The lysine at codon 216 is replaced by glutamic acid, an amino acid with similar properties. This amino acid position is conserved. In addition, this alteration is predicted to be tolerated by in silico analysis. Since supporting evidence is limited at this time, the clinical significance of this alteration remains unclear.